The following is an entry in ClinVar:

ClinVar aggregate classification (germline): Uncertain significance. Review status: criteria provided, multiple submitters, no conflicts (2 of 4 stars). 3 submissions from 3 submitters: Uncertain significance (3). Last evaluated 2025-04-01.

Conditions:
Inborn genetic diseases. Identifiers: MedGen C0950123, MeSH D030342.
MEGF10-related myopathy (CMYO10A). Also called: Congenital myopathy 10A, severe variant. Identifiers: Orphanet 439212, MedGen C3280679, MONDO:0013731, OMIM 614399.

Allele frequency attached by ClinVar (database versions not stated): gnomAD exomes 0.00002 and 0.00003; TOPMed 0.00002; ExAC 0.00003; gnomAD 0.00003.
gnomAD v4.1: 38 of 1,613,538 alleles (0.0024%); highest among the groups gnomAD compares: Non-Finnish European, 0.0029%; 1 homozygote.

Submissions (3):

Ambry Genetics
Classification: Uncertain significance for Inborn genetic diseases. Last evaluated: 2025-04-01. Review status: criteria provided, single submitter. Criteria: Ambry Variant Classification Scheme 2023. Collection method: clinical testing. Allele origin: germline.

Athena Diagnostics
Classification: Uncertain significance. Last evaluated: 2023-09-26. Review status: criteria provided, single submitter. Criteria: Athena Diagnostics Criteria. Collection method: clinical testing. Allele origin: unknown.
Comment: Available data are insufficient to determine the clinical significance of the variant at this time. The frequency of this variant in the general population is uninformative in assessment of its pathogenicity. Computational tools predict that this variant is damaging.

Labcorp Genetics (formerly Invitae), Labcorp
Classification: Uncertain significance for MEGF10-related myopathy. Last evaluated: 2022-11-08. Review status: criteria provided, single submitter. Criteria: Invitae Variant Classification Sherloc (09022015). Collection method: clinical testing. Allele origin: germline.
Comment: This sequence change replaces tryptophan, which is neutral and slightly polar, with arginine, which is basic and polar, at codon 259 of the MEGF10 protein (p.Trp259Arg). This variant is present in population databases (rs559323248, gnomAD 0.007%). In summary, the available evidence is currently insufficient to determine the role of this variant in disease. Therefore, it has been classified as a Variant of Uncertain Significance. Advanced modeling of protein sequence and biophysical properties (such as structural, functional, and spatial information, amino acid conservation, physicochemical variation, residue mobility, and thermodynamic stability) has been performed at Invitae for this missense variant, however the output from this modeling did not meet the statistical confidence thresholds required to predict the impact of this variant on MEGF10 protein function. ClinVar contains an entry for this variant (Variation ID: 835375). This variant has not been reported in the literature in individuals affected with MEGF10-related conditions.

NM_001256545.2(MEGF10):c.775T>A (p.Trp259Arg)

Gene: MEGF10 (multiple EGF like domains 10; plus strand). Cytogenetic location: 5q23.2.
Variant type: single nucleotide variant.
Coding change: c.775T>A on transcript NM_001256545.2 (MANE Select); coding-DNA position 775, T replaced by A.
Protein change: p.Trp259Arg; replaces tryptophan 259 with arginine.
Molecular consequence: missense variant.
Genome position (GRCh38, 1-based): chr5:127,398,791, T>A. VCF-style: chr5-127398791-T-A. GRCh37 (hg19) VCF-style: chr5-126734483-T-A.
Other names: c.775T>A, p.Trp259Arg (NM_001308119.2, NM_001308121.2, NM_032446.3); short protein forms W259R.
Identifiers: ClinVar variation 835375 (VCV000835375.12), dbSNP rs559323248, ClinGen allele CA3391397.